The following is an entry in ClinVar:

GRCh38/hg38 15q25.2(chr15:82130136-82727529)x1

Genes: AP3B2 (adaptor related protein complex 3 subunit beta 2; minus strand), CPEB1 (cytoplasmic polyadenylation element binding protein 1; minus strand), CPEB1-AS1 (CPEB1 antisense RNA 1; plus strand), EFL1 (elongation factor like GTPase 1; minus strand), GOLGA6L10 (golgin A6 family like 10; minus strand) and 16 more. Cytogenetic location: 15q25.2.
Variant type: copy number loss.
Change: copy number 1 (one copy instead of two) of chr15:82,130,136-82,727,529 (597.4 kb, GRCh38 coordinates, 1-based), cytogenetic band 15q25.2.
Identifiers: ClinVar variation 2579211 (VCV002579211.1).

ClinVar aggregate classification (germline): Pathogenic (1 of 4 stars; one submission).

Conditions:
Diamond-Blackfan anemia 4 (DBA4). Also called: RPS17-Related Diamond-Blackfan Anemia. Identifiers: Orphanet 124, MedGen C2675860, MONDO:0012924, OMIM 612527.

Submission:

Broad Center for Mendelian Genomics, Broad Institute of MIT and Harvard
Classification: Pathogenic for Diamond-Blackfan anemia 4. Last evaluated: 2023-08-24. Review status: criteria provided, single submitter. Criteria: ACMG/ClinGen CNV Guidelines, 2019. Collection method: research. Allele origin: unknown. Inheritance: Autosomal dominant inheritance. Affected: yes.
Comment: These breakpoints have been estimated by exome sequencing only and therefore may not reflect the true breakpoints. Inheritance information is unavailable. The patient phenotype is nonspecific, but is consistent with cases described in the literature and/or published databases with overlapping variants. There is complete overlap with the RPS17 gene, which is known to be haploinsufficient, and has been assessed by the ClinGen Dosage Sensitivity Working Group. In summary, this variant meets criteria to be classified as pathogenic for autosomal dominant Diamond-Blackfan anemia. The ACMG/ClinGen evidence codes and points used in this curation are as follows: 1: 0 points, 2: 1 points, 3: 0 points, 4-5: 0.1 points; Total: 1.1 points; Riggs 2020 (PMID: 31690835).